The following is an entry in ClinVar:

ClinVar aggregate classification (germline): Uncertain significance. Review status: criteria provided, multiple submitters, no conflicts (2 of 4 stars). 2 submissions from 2 submitters: Uncertain significance (2). Last evaluated 2022-10-24.

Conditions:
Dyskeratosis congenita. Identifiers: Orphanet 1775, MedGen C0265965, MONDO:0015780.
Idiopathic Pulmonary Fibrosis. Also called: Idiopathic fibrosing alveolitis, chronic form; idiopathic fibrosing alveolitis. Identifiers: Orphanet 2032, MedGen C1800706, MeSH D054990, MONDO:0800504.
Dyskeratosis congenita, autosomal dominant 2. Identifiers: MedGen C3151443, MONDO:0013521, OMIM 613989.

Submissions (2):

Labcorp Genetics (formerly Invitae), Labcorp
Classification: Uncertain significance for Dyskeratosis congenita, autosomal dominant 2; Idiopathic Pulmonary Fibrosis. Last evaluated: 2022-10-24. Review status: criteria provided, single submitter. Criteria: Invitae Variant Classification Sherloc (09022015). Collection method: clinical testing. Allele origin: germline.
Comment: This sequence change replaces glycine, which is neutral and non-polar, with valine, which is neutral and non-polar, at codon 226 of the TERT protein (p.Gly226Val). This variant is not present in population databases (gnomAD no frequency). This variant has not been reported in the literature in individuals affected with TERT-related conditions. ClinVar contains an entry for this variant (Variation ID: 660795). Algorithms developed to predict the effect of missense changes on protein structure and function (SIFT, PolyPhen-2, Align-GVGD) all suggest that this variant is likely to be tolerated. In summary, the available evidence is currently insufficient to determine the role of this variant in disease. Therefore, it has been classified as a Variant of Uncertain Significance.

Ambry Genetics
Classification: Uncertain significance for Dyskeratosis congenita. Last evaluated: 2022-08-15. Review status: criteria provided, single submitter. Criteria: Ambry Variant Classification Scheme 2023. Collection method: clinical testing. Allele origin: germline.
Comment: The p.G226V variant (also known as c.677G>T), located in coding exon 2 of the TERT gene, results from a G to T substitution at nucleotide position 677. The glycine at codon 226 is replaced by valine, an amino acid with dissimilar properties. This amino acid position is conserved. In addition, this alteration is predicted to be tolerated by in silico analysis. Since supporting evidence is limited at this time, the clinical significance of this alteration remains unclear.

NM_198253.3(TERT):c.677G>T (p.Gly226Val)

Gene: TERT (telomerase reverse transcriptase; minus strand). Cytogenetic location: 5p15.33.
Variant type: single nucleotide variant.
Coding change: c.677G>T on transcript NM_198253.3 (MANE Select); coding-DNA position 677, G replaced by T.
Protein change: p.Gly226Val; replaces glycine 226 with valine.
Molecular consequence: missense variant. On other transcripts: non-coding transcript variant (2).
Genome position (GRCh38, 1-based): chr5:1,294,209, C>A on the plus strand (G>T on the coding strand, the complement: TERT is on the minus strand). VCF-style: chr5-1294209-C-A. GRCh37 (hg19) VCF-style: chr5-1294324-C-A.
Other names: c.677G>T, p.Gly226Val (NM_001193376.3); short protein forms G226V.
Identifiers: ClinVar variation 660795 (VCV000660795.13), dbSNP rs1325261470, ClinGen allele CA359057049.